The following is an entry in ClinVar:

ClinVar aggregate classification (germline): Pathogenic (1 of 4 stars; one submission).

Conditions:
Diffuse cerebral and cerebellar atrophy - intractable seizures - progressive microcephaly syndrome. Also called: Microcephaly, progressive, with seizures and cerebral and cerebellar atrophy. Identifiers: Orphanet 404437, MedGen C4014239, MONDO:0014335, OMIM 615760.

Submission:

Labcorp Genetics (formerly Invitae), Labcorp
Classification: Pathogenic for Diffuse cerebral and cerebellar atrophy - intractable seizures - progressive microcephaly syndrome. Last evaluated: 2024-01-17. Review status: criteria provided, single submitter. Criteria: Invitae Variant Classification Sherloc (09022015). Collection method: clinical testing. Allele origin: germline.
Comment: This sequence change creates a premature translational stop signal (p.Gln136Serfs*14) in the QARS gene. It is expected to result in an absent or disrupted protein product. Loss-of-function variants in QARS are known to be pathogenic (PMID: 24656866, 25471517). This variant is not present in population databases (gnomAD no frequency). This variant has not been reported in the literature in individuals affected with QARS-related conditions. ClinVar contains an entry for this variant (Variation ID: 2194507). For these reasons, this variant has been classified as Pathogenic.

Literature cited by the submitters: PubMed 24656866; PubMed 25471517.

NM_005051.3(QARS1):c.406del (p.Gln136fs)

Gene: QARS1 (glutaminyl-tRNA synthetase 1; minus strand). Cytogenetic location: 3p21.31.
Variant type: Deletion.
Coding change: c.406del on transcript NM_005051.3 (MANE Select); coding-DNA position 406, one base deleted (C; older notation c.406delC).
Protein change: p.Gln136fs; shifts the reading frame from glutamine 136.
Molecular consequence: frameshift variant. On other transcripts: non-coding transcript variant (1).
Genome position (GRCh38, 1-based): chr3:49,103,676, G deleted on the plus strand (C on the coding strand, the reverse complement: QARS1 is on the minus strand); the first of 4 consecutive G bases (chr3:49,103,676-49,103,679); deleting any one gives the same sequence. VCF-style (leftmost placement, unchanged base first): chr3-49103675-TG-T. GRCh37 (hg19) VCF-style: chr3-49141108-TG-T.
Other names: c.373del, p.Gln125fs (NM_001272073.2); short protein forms Q125fs, Q136fs.
Identifiers: ClinVar variation 2194507 (VCV002194507.4), dbSNP rs1157267701, ClinGen allele CA542802233.
Genomic context (GRCh38, chr3:49,103,675, plus strand): 5'-TCCAGGCCCTGCTCACCCATCAGCAGCCCCATGTTGAAATGGTAACGTTCCACCAGGAGC[TG>T]GGGCCGGTGCCTGTTAATAGCAGCCTCCACCTGCAGAAAGCCAAACCATGTGGTTCAGGA-3'